The following is an entry in ClinVar:

ClinVar aggregate classification (germline): Conflicting classifications of pathogenicity. Review status: criteria provided, conflicting classifications (1 of 4 stars). 2 submissions from 2 submitters: Uncertain significance (1); Likely benign (1). Last evaluated 2019-12-30.

Conditions:
Rolandic epilepsy, impaired intellectual development, and speech dyspraxia, X-linked. Also called: Rolandic epilepsy, intellectual disability, and speech dyspraxia, X-linked; Rolandic epilepsy, impaired intellectual development, and speech dyspraxia. Identifiers: MedGen C1845070, MONDO:0010388, OMIM 300643.

Allele frequency attached by ClinVar (database versions not stated): ExAC 0.00002; gnomAD 0.00002 and 0.00003; gnomAD exomes 0.00004 and 0.00006; TOPMed 0.00004; ESP Exome Variant Server 0.00009.
gnomAD v4.1: 48 of 1,209,206 alleles (0.004%); highest among the groups gnomAD compares: South Asian, 0.037%; no homozygotes.

Submissions (2):

Labcorp Genetics (formerly Invitae), Labcorp
Classification: Uncertain significance for Rolandic epilepsy, impaired intellectual development, and speech dyspraxia, X-linked. Last evaluated: 2019-12-30. Review status: criteria provided, single submitter. Criteria: Invitae Variant Classification Sherloc (09022015). Collection method: clinical testing. Allele origin: germline.
Comment: This sequence change replaces arginine with histidine at codon 410 of the SRPX2 protein (p.Arg410His). The arginine residue is moderately conserved and there is a small physicochemical difference between arginine and histidine. This variant is present in population databases (rs368571175, ExAC 0.01%). This variant has not been reported in the literature in individuals with SRPX2-related disease. ClinVar contains an entry for this variant (Variation ID: 207386). Algorithms developed to predict the effect of missense changes on protein structure and function output the following: SIFT: "Tolerated"; PolyPhen-2: "Benign"; Align-GVGD: "Class C0". The histidine amino acid residue is found in multiple mammalian species, suggesting that this missense change does not adversely affect protein function. These predictions have not been confirmed by published functional studies and their clinical significance is uncertain. In summary, the available evidence is currently insufficient to determine the role of this variant in disease. Therefore, it has been classified as a Variant of Uncertain Significance.

GeneDx
Classification: Likely benign. Last evaluated: 2015-09-22. Review status: criteria provided, single submitter. Criteria: GeneDx Variant Classification (06012015). Collection method: clinical testing. Allele origin: germline. Affected: yes.
Comment: This variant is considered likely benign or benign based on one or more of the following criteria: it is a conservative change, it occurs at a poorly conserved position in the protein, it is predicted to be benign by multiple in silico algorithms, and/or has population frequency not consistent with disease.

NM_014467.3(SRPX2):c.1229G>A (p.Arg410His)

Gene: SRPX2 (sushi repeat containing protein X-linked 2; plus strand). Cytogenetic location: Xq22.1.
Variant type: single nucleotide variant.
Coding change: c.1229G>A on transcript NM_014467.3 (MANE Select); coding-DNA position 1229, G replaced by A.
Protein change: p.Arg410His; replaces arginine 410 with histidine.
Molecular consequence: missense variant.
Genome position (GRCh38, 1-based): chrX:100,670,818, G>A. VCF-style: chrX-100670818-G-A. GRCh37 (hg19) VCF-style: chrX-99925815-G-A.
Other names: p.R410H:CGC>CAC; short protein forms R410H.
Identifiers: ClinVar variation 207386 (VCV000207386.11), dbSNP rs368571175, ClinGen allele CA318798.